The following is an entry in ClinVar:

ClinVar aggregate classification (germline): Uncertain significance (1 of 4 stars; one submission).

gnomAD v4.1: 2 of 1,614,108 alleles (0.00012%); highest among the groups gnomAD compares: Non-Finnish European, 0.00017%; no homozygotes.

Submission:

GeneDx
Classification: Uncertain significance. Last evaluated: 2024-07-03. Review status: criteria provided, single submitter. Criteria: GeneDx Variant Classification Process June 2021. Collection method: clinical testing. Allele origin: germline. Affected: yes.
Comment: Not observed at significant frequency in large population cohorts (gnomAD); In silico analysis indicates that this missense variant does not alter protein structure/function; Has not been previously published as pathogenic or benign to our knowledge

NM_000702.4(ATP1A2):c.112G>T (p.Ala38Ser)

Gene: ATP1A2 (ATPase Na+/K+ transporting subunit alpha 2; plus strand). Cytogenetic location: 1q23.2.
Variant type: single nucleotide variant.
Coding change: c.112G>T on transcript NM_000702.4 (MANE Select); coding-DNA position 112, G replaced by T.
Protein change: p.Ala38Ser; replaces alanine 38 with serine.
Molecular consequence: missense variant.
Genome position (GRCh38, 1-based): chr1:160,121,005, G>T. VCF-style: chr1-160121005-G-T. GRCh37 (hg19) VCF-style: chr1-160090795-G-T.
Other names: short protein forms A38S.
Identifiers: ClinVar variation 3393889 (VCV003393889.1).